The following is an entry in ClinVar:

ClinVar aggregate classification (germline): Uncertain significance. Review status: criteria provided, multiple submitters, no conflicts (2 of 4 stars). 2 submissions from 2 submitters: Uncertain significance (2). Last evaluated 2025-06-12.

Conditions:
Apparent mineralocorticoid excess (AME). Also called: CORTISOL 11-BETA-KETOREDUCTASE DEFICIENCY. Identifiers: Orphanet 320, MedGen C0342488, MONDO:0009025, OMIM 218030.

Allele frequency attached by ClinVar (database versions not stated): ExAC 0.00001; gnomAD 0.00001; gnomAD exomes 0.00001; TOPMed 0.00001; ESP Exome Variant Server 0.00008.

Submissions (2):

Labcorp Genetics (formerly Invitae), Labcorp
Classification: Uncertain significance. Last evaluated: 2025-06-12. Review status: criteria provided, single submitter. Criteria: Invitae Variant Classification Sherloc (09022015). Collection method: clinical testing. Allele origin: germline.
Comment: This sequence change replaces glycine, which is neutral and non-polar, with serine, which is neutral and polar, at codon 160 of the HSD11B2 protein (p.Gly160Ser). This variant also falls at the last nucleotide of exon 2, which is part of the consensus splice site for this exon. This variant is present in population databases (rs145132374, gnomAD 0.007%). This variant has not been reported in the literature in individuals affected with HSD11B2-related conditions. ClinVar contains an entry for this variant (Variation ID: 2183074). An algorithm developed to predict the effect of missense changes on protein structure and function (PolyPhen-2) suggests that this variant is likely to be disruptive. Variants that disrupt the consensus splice site are a relatively common cause of aberrant splicing (PMID: 17576681, 9536098). Algorithms developed to predict the effect of sequence changes on RNA splicing suggest that this variant may disrupt the consensus splice site. In summary, the available evidence is currently insufficient to determine the role of this variant in disease. Therefore, it has been classified as a Variant of Uncertain Significance.

Department of Endocrinology, Osmania Medical College
Classification: Uncertain significance for Apparent mineralocorticoid excess. Last evaluated: 2025-03-22. Review status: criteria provided, single submitter. Criteria: ACMG Guidelines, 2015. Collection method: provider interpretation. Allele origin: inherited. Inheritance: Autosomal recessive inheritance. Affected: yes. Observed: 1 homozygote.
Comment: Detailed clinical and biochemical parameters support a diagnosis of Apparent Mineralocorticoid Excess (AME), and other differential diagnoses have been excluded. The variant is observed in GnomAD Exomes at a very low frequency (0.00001). Multiple in silico bioinformatics algorithms (REVEL, GERP, SIFT, PolyPhen-2, Mutation Taster, LRT-Pred, and MetaSVM) predict a high/damaging impact. Based on these findings, the variant is classified as a Variant of Uncertain Significance (VUS).

Literature cited by the submitters: PubMed 17576681 (cited by Labcorp Genetics (formerly Invitae), Labcorp); PubMed 9536098 (cited by Labcorp Genetics (formerly Invitae), Labcorp).

NM_000196.4(HSD11B2):c.478G>A (p.Gly160Ser)

Gene: HSD11B2 (hydroxysteroid 11-beta dehydrogenase 2; plus strand). Cytogenetic location: 16q22.1.
Variant type: single nucleotide variant.
Coding change: c.478G>A on transcript NM_000196.4 (MANE Select); coding-DNA position 478, G replaced by A.
Protein change: p.Gly160Ser; replaces glycine 160 with serine.
Molecular consequence: missense variant.
Genome position (GRCh38, 1-based): chr16:67,435,840, G>A. VCF-style: chr16-67435840-G-A. GRCh37 (hg19) VCF-style: chr16-67469743-G-A.
Other names: short protein forms G160S.
Identifiers: ClinVar variation 2183074 (VCV002183074.5), dbSNP rs145132374, ClinGen allele CA8110627.